The following is an entry in ClinVar:

ClinVar aggregate classification (germline): Uncertain significance (1 of 4 stars; one submission).

Allele frequency attached by ClinVar (database versions not stated): gnomAD exomes below 0.00001.

Submission:

Labcorp Genetics (formerly Invitae), Labcorp
Classification: Uncertain significance. Last evaluated: 2024-08-28. Review status: criteria provided, single submitter. Criteria: Invitae Variant Classification Sherloc (09022015). Collection method: clinical testing. Allele origin: germline.
Comment: This variant, c.4360_4377dup, results in the insertion of 6 amino acid(s) of the MCM3AP protein (p.Ser1454_Leu1459dup), but otherwise preserves the integrity of the reading frame. This variant is not present in population databases (gnomAD no frequency). This variant has been observed in individual(s) with Charcot-Marie-Tooth disease (PMID: 28969388). ClinVar contains an entry for this variant (Variation ID: 2138408). Experimental studies and prediction algorithms are not available or were not evaluated, and the functional significance of this variant is currently unknown. In summary, the available evidence is currently insufficient to determine the role of this variant in disease. Therefore, it has been classified as a Variant of Uncertain Significance.

Literature cited by the submitters: PubMed 28969388.

NM_003906.5(MCM3AP):c.4360_4377dup (p.Leu1459_Leu1460insSerGlyLeuMetLeuLeu)

Genes: MCM3AP (minichromosome maintenance complex component 3 associated protein; minus strand), MCM3AP-AS1 (MCM3AP antisense RNA 1; plus strand). Cytogenetic location: 21q22.3.
Variant type: Duplication.
Coding change: c.4360_4377dup on transcript NM_003906.5 (MANE Select); coding-DNA positions 4360 to 4377, 18 bases duplicated (AGTGGGCTCATGCTGCTG).
Protein change: p.Leu1459_Leu1460insSerGlyLeuMetLeuLeu.
Molecular consequence: inframe insertion.
Genome position (GRCh38, 1-based): chr21:46,246,800-46,246,817, CAGCAGCATGAGCCCACT duplicated on the plus strand (AGTGGGCTCATGCTGCTG on the coding strand, the reverse complement: MCM3AP is on the minus strand). VCF-style (leftmost placement, unchanged base first): chr21-46246799-G-GCAGCAGCATGAGCCCACT. GRCh37 (hg19) VCF-style: chr21-47666713-G-GCAGCAGCATGAGCCCACT.
Identifiers: ClinVar variation 2138408 (VCV002138408.3), dbSNP rs2517328870, ClinGen allele CA2580098956.
Genomic context (GRCh38, chr21:46,246,799, plus strand): 5'-AGGCCGACAGCCAGTACACGTCCTCCTCTGCCATGTCCTCACTCTTCATTTTGGGGGGAA[G>GCAGCAGCATGAGCCCACT]CAGCAGCATGAGCCCACTGGCTCCCAGGAGGTCCTTCTGTGTCTCCACAGCATCAATGGC-3'